The following is an entry in ClinVar:

ClinVar aggregate classification (germline): Uncertain significance (1 of 4 stars; one submission).

Allele frequency attached by ClinVar (database versions not stated): gnomAD 0.00001.
gnomAD v4.1: 1 of 1,205,999 alleles (0.000083%); highest among the groups gnomAD compares: African/African-American, 0.0018%; no homozygotes.

Submission:

GeneDx
Classification: Uncertain significance. Last evaluated: 2016-11-21. Review status: criteria provided, single submitter. Criteria: GeneDx Variant Classification (06012015). Collection method: clinical testing. Allele origin: germline. Affected: yes.
Comment: The G249E variant in the PQBP1 gene has not been reported previously as a pathogenic variant, nor as a benign variant, to our knowledge. The G249E variant was not observed in approximately 6,500 individuals of European and African American ancestry in the NHLBI Exome Sequencing Project, indicating it is not a common benign variant in these populations. The G249E variant is a non-conservative amino acid substitution, which is likely to impact secondary protein structure as these residues differ in polarity, charge, size and/or other properties. This substitution occurs at a position that is conserved across species. In silico analysis predicts this variant is probably damaging to the protein structure/function. We interpret G249E as a variant of uncertain significance.

NM_001032382.2(PQBP1):c.746G>A (p.Gly249Glu)

Gene: PQBP1 (polyglutamine binding protein 1; plus strand). Cytogenetic location: Xp11.23.
Variant type: single nucleotide variant.
Coding change: c.746G>A on transcript NM_001032382.2 (MANE Select); coding-DNA position 746, G replaced by A.
Protein change: p.Gly249Glu; replaces glycine 249 with glutamic acid.
Molecular consequence: missense variant.
Genome position (GRCh38, 1-based): chrX:48,903,032, G>A. VCF-style: chrX-48903032-G-A. GRCh37 (hg19) VCF-style: chrX-48760309-G-A.
Other names: c.746G>A, p.Gly249Glu (NM_001032381.2, NM_001032383.2, NM_001032384.1 and 1 more transcripts); c.743G>A, p.Gly248Glu (NM_001167989.2); c.722G>A, p.Gly241Glu (NM_001167990.2); c.446G>A, p.Gly149Glu (NM_001167992.1); c.461G>A, p.Gly154Glu (NM_144495.3); short protein forms G249E, G154E, G241E, G248E, G149E.
Identifiers: ClinVar variation 373334 (VCV000373334.1), dbSNP rs1057518357, ClinGen allele CA16043278.
Genomic context (GRCh38, chrX:48,903,032, plus strand): 5'-CTGGCGCTGACACCACAGCAGCTGGGCCCCTCTTCCAGCAGCGGCCGTATCCATCCCCAG[G>A]GGCTGTGCTCCGGGCCAATGCAGAGGCCTCCCGAACCAAGCAGCAGGATTGAAGCTTCGG-3'
Protein context (NP_001027554.1, residues 239-259): LFQQRPYPSP[Gly249Glu]AVLRANAEAS